The following is an entry in ClinVar:

NM_000528.4(MAN2B1):c.1525C>T (p.Arg509Cys)

Gene: MAN2B1 (mannosidase alpha class 2B member 1; minus strand). Cytogenetic location: 19p13.13.
Variant type: single nucleotide variant.
Coding change: c.1525C>T on transcript NM_000528.4 (MANE Select); coding-DNA position 1525, C replaced by T.
Protein change: p.Arg509Cys; replaces arginine 509 with cysteine.
Molecular consequence: missense variant.
Genome position (GRCh38, 1-based): chr19:12,656,951, G>A on the plus strand (C>T on the coding strand, the complement: MAN2B1 is on the minus strand). VCF-style: chr19-12656951-G-A. GRCh37 (hg19) VCF-style: chr19-12767765-G-A.
Other names: c.1522C>T, p.Arg508Cys (NM_001173498.2); short protein forms R508C, R509C.
Identifiers: ClinVar variation 2145938 (VCV002145938.1), dbSNP rs766228737, ClinGen allele CA9226422.
Genomic context (GRCh38, chr19:12,656,951, plus strand): 5'-CCAACTACCCCCTCTAAAGCCCATCTGCCCTAGATCCACCCCTCCCGTCCCGGCTCACGC[G>A]CGCCGCCGTCTGGCTGAGCGGGCAGATGCTGATGTTTAGCTGTTGGCAAAAGGTGAAGTG-3'
Protein context (NP_000519.2, residues 499-519): SICPLSQTAA[Arg509Cys]FQVIVYNPLG

ClinVar aggregate classification (germline): Uncertain significance (1 of 4 stars; one submission).

Conditions:
Deficiency of alpha-mannosidase (MANSA). Also called: LYSOSOMAL ALPHA-D-MANNOSIDASE DEFICIENCY; Alpha-Mannosidosis; Mannosidosis, alpha-, types I and II. Identifiers: Orphanet 61, MedGen C0024748, MONDO:0009561, OMIM 248500.

Allele frequency attached by ClinVar (database versions not stated): ExAC 0.00001; gnomAD 0.00001; gnomAD exomes 0.00001; TOPMed 0.00002.
gnomAD v4.1: 11 of 1,612,364 alleles (0.00068%); highest among the groups gnomAD compares: Middle Eastern, 0.016%; no homozygotes.

Submission:

Labcorp Genetics (formerly Invitae), Labcorp
Classification: Uncertain significance for Deficiency of alpha-mannosidase. Last evaluated: 2022-10-19. Review status: criteria provided, single submitter. Criteria: Invitae Variant Classification Sherloc (09022015). Collection method: clinical testing. Allele origin: germline.
Comment: This sequence change replaces arginine, which is basic and polar, with cysteine, which is neutral and slightly polar, at codon 509 of the MAN2B1 protein (p.Arg509Cys). This variant is present in population databases (rs766228737, gnomAD 0.003%). This variant has not been reported in the literature in individuals affected with MAN2B1-related conditions. Algorithms developed to predict the effect of missense changes on protein structure and function are either unavailable or do not agree on the potential impact of this missense change (SIFT: "Deleterious"; PolyPhen-2: "Possibly Damaging"; Align-GVGD: "Class C0"). Algorithms developed to predict the effect of sequence changes on RNA splicing suggest that this variant may disrupt the consensus splice site. In summary, the available evidence is currently insufficient to determine the role of this variant in disease. Therefore, it has been classified as a Variant of Uncertain Significance.